The following is an entry in ClinVar:

NM_015330.6(SPECC1L):c.2911A>G (p.Thr971Ala)

Genes: SPECC1L (sperm antigen with calponin homology and coiled-coil domains 1 like; plus strand), SPECC1L-ADORA2A (SPECC1L-ADORA2A readthrough (NMD candidate); plus strand). Cytogenetic location: 22q11.23.
Variant type: single nucleotide variant.
Coding change: c.2911A>G on transcript NM_015330.6 (MANE Select); coding-DNA position 2911, A replaced by G.
Protein change: p.Thr971Ala; replaces threonine 971 with alanine.
Molecular consequence: missense variant. On other transcripts: non-coding transcript variant (1).
Genome position (GRCh38, 1-based): chr22:24,365,559, A>G. VCF-style: chr22-24365559-A-G. GRCh37 (hg19) VCF-style: chr22-24761527-A-G.
Other names: c.2911A>G, p.Thr971Ala (NM_001145468.4, NM_001254732.3); c.109A>G, p.Thr37Ala (NM_001254733.2); short protein forms T37A, T971A.
Identifiers: ClinVar variation 4807612 (VCV004807612.1).

ClinVar aggregate classification (germline): Uncertain significance (1 of 4 stars; one submission).

gnomAD v4.1: 6 of 1,614,002 alleles (0.00037%); highest among the groups gnomAD compares: Non-Finnish European, 0.00051%; no homozygotes.

Submission:

Labcorp Genetics (formerly Invitae), Labcorp
Classification: Uncertain significance. Last evaluated: 2025-02-04. Review status: criteria provided, single submitter. Criteria: Invitae Variant Classification Sherloc (09022015). Collection method: clinical testing. Allele origin: germline.
Comment: This sequence change replaces threonine, which is neutral and polar, with alanine, which is neutral and non-polar, at codon 971 of the SPECC1L protein (p.Thr971Ala). This variant is present in population databases (no rsID available, gnomAD 0.0009%). This variant has not been reported in the literature in individuals affected with SPECC1L-related conditions. An algorithm developed to predict the effect of missense changes on protein structure and function outputs the following: PolyPhen-2: "Benign". The alanine amino acid residue is found in multiple mammalian species, which suggests that this missense change does not adversely affect protein function. In summary, the available evidence is currently insufficient to determine the role of this variant in disease. Therefore, it has been classified as a Variant of Uncertain Significance.